The following is an entry in ClinVar:

ClinVar aggregate classification (germline): Uncertain significance (1 of 4 stars; one submission).

Allele frequency attached by ClinVar (database versions not stated): gnomAD exomes below 0.00001.
gnomAD v4.1: 1 of 1,609,468 alleles (0.000062%); highest among the groups gnomAD compares: Non-Finnish European, 0.000085%; no homozygotes.

Submission:

GeneDx
Classification: Uncertain significance. Last evaluated: 2023-03-27. Review status: criteria provided, single submitter. Criteria: GeneDx Variant Classification Process June 2021. Collection method: clinical testing. Allele origin: germline. Affected: yes.
Comment: Not observed at significant frequency in large population cohorts (gnomAD); In silico analysis supports that this missense variant does not alter protein structure/function; Has not been previously published as pathogenic or benign to our knowledge

NM_015057.5(MYCBP2):c.11210T>C (p.Met3737Thr)

Genes: MYCBP2-AS1 (MYCBP2 antisense RNA 1; plus strand), MYCBP2 (MYC binding protein 2; minus strand). Cytogenetic location: 13q22.3.
Variant type: single nucleotide variant.
Coding change: c.11210T>C on transcript NM_015057.5 (MANE Select); coding-DNA position 11210, T replaced by C.
Protein change: p.Met3737Thr; replaces methionine 3737 with threonine.
Molecular consequence: missense variant.
Genome position (GRCh38, 1-based): chr13:77,081,635, A>G on the plus strand (T>C on the coding strand, the complement: MYCBP2 is on the minus strand). VCF-style: chr13-77081635-A-G. GRCh37 (hg19) VCF-style: chr13-77655770-A-G.
Other names: short protein forms M3737T.
Identifiers: ClinVar variation 2581957 (VCV002581957.1), dbSNP rs2502993972, ClinGen allele CA388383788.